The following is an entry in ClinVar:

ClinVar aggregate classification (germline): Likely benign. Review status: criteria provided, multiple submitters, no conflicts (2 of 4 stars). 2 submissions from 2 submitters: Likely benign (2). Last evaluated 2026-06-05.

Conditions:
Pheochromocytoma. Also called: MAX-Related Hereditary Paraganglioma-Pheochromocytoma Syndrome. Identifiers: Orphanet 29072, MedGen C0031511, MONDO:0008233, OMIM 171300, HP:0002666.
Hereditary pheochromocytoma and paraganglioma. Also called: Hereditary paragangliomas and pheochromocytomas; Hereditary pheochromocytoma-paraganglioma; Hereditary Paraganglioma-Pheochromocytoma Syndromes. Identifiers: Orphanet 29072, MedGen C4274332, MONDO:0017366.

Allele frequency attached by ClinVar (database versions not stated): gnomAD exomes below 0.00001.
gnomAD v4.1: 1 of 1,609,188 alleles (0.000062%); highest among the groups gnomAD compares: African/African-American, 0.0013%; no homozygotes.

Submissions (2):

Myriad Genetics, Inc.
Classification: Likely benign for Pheochromocytoma. Last evaluated: 2026-06-05. Review status: criteria provided, single submitter. Criteria: Myriad Autosomal Dominant, Autosomal Recessive and X-Linked Classification Criteria (2023). Collection method: clinical testing. Allele origin: unknown.
Comment: This variant is considered likely benign. This variant is intronic and is not expected to impact mRNA splicing.

Labcorp Genetics (formerly Invitae), Labcorp
Classification: Likely benign for Hereditary pheochromocytoma and paraganglioma. Last evaluated: 2025-12-14. Review status: criteria provided, single submitter. Criteria: Invitae Variant Classification Sherloc (09022015). Collection method: clinical testing. Allele origin: germline.

NM_002382.5(MAX):c.63+9C>T

Gene: MAX (MYC associated transcriptional regulator X; minus strand). Cytogenetic location: 14q23.3.
Variant type: single nucleotide variant.
Coding change: c.63+9C>T on transcript NM_002382.5 (MANE Select); 9 bases into the intron after coding-DNA position 63, C replaced by T.
Molecular consequence: intron variant.
Genome position (GRCh38, 1-based): chr14:65,101,537, G>A on the plus strand (C>T on the coding strand, the complement: MAX is on the minus strand). VCF-style: chr14-65101537-G-A. GRCh37 (hg19) VCF-style: chr14-65568255-G-A.
Other names: c.36+767C>T (NM_001271069.2, NM_145112.3, NM_001271068.2); c.63+9C>T (NM_197957.4, NM_145113.3, NM_145114.3); c.-212+9C>T (NM_001320415.2).
Identifiers: ClinVar variation 765286 (VCV000765286.9), dbSNP rs1172912017, ClinGen allele CA915948953.